The following is an entry in ClinVar:

NM_007294.4(BRCA1):c.526A>T (p.Thr176Ser)

Gene: BRCA1 (BRCA1 DNA repair associated; minus strand). Cytogenetic location: 17q21.31.
Variant type: single nucleotide variant.
Coding change: c.526A>T on transcript NM_007294.4 (MANE Select); coding-DNA position 526, A replaced by T.
Protein change: p.Thr176Ser; replaces threonine 176 with serine.
Molecular consequence: missense variant. On other transcripts: non-coding transcript variant (1).
Genome position (GRCh38, 1-based): chr17:43,099,796, T>A on the plus strand (A>T on the coding strand, the complement: BRCA1 is on the minus strand). VCF-style: chr17-43099796-T-A. GRCh37 (hg19) VCF-style: chr17-41251813-T-A.
Other names: c.523A>T, p.Thr175Ser (NM_001407632.1, NM_001407587.1, NM_001407590.1 and 65 more transcripts); c.313A>T, p.Thr105Ser (NM_001407571.1, NM_001407853.1, NM_001407894.1 and 18 more transcripts); c.526A>T, p.Thr176Ser (NM_001407581.1, NM_001407582.1, NM_001407583.1 and 97 more transcripts); c.517A>T, p.Thr173Ser (NM_001407646.1, NM_001407647.1, NM_001408408.1); c.448A>T, p.Thr150Ser (NM_001407653.1, NM_001407654.1, NM_001407655.1 and 12 more transcripts); c.445A>T, p.Thr149Ser (NM_001407659.1, NM_001407660.1, NM_001407661.1 and 6 more transcripts); c.385A>T, p.Thr129Ser (NM_001407692.1, NM_001407694.1, NM_001407695.1 and 61 more transcripts); c.382A>T, p.Thr128Ser (NM_001407740.1, NM_001407741.1, NM_001407742.1 and 35 more transcripts); and 4 more; short protein forms T128S, T149S, T150S, T175S, T106S, T129S, T173S, T131S.
Identifiers: ClinVar variation 1746486 (VCV001746486.2), dbSNP rs2154528323, ClinGen allele CA10601086.
Genomic context (GRCh38, chr17:43,099,796, plus strand): 5'-CAATTATTATTAAATACTTAAAAAACCTGAGACCCTTACCCAATTCAATGTAGACAGACG[T>A]CTTTTGAGGTTGTATCCGCTGCTTTGTCCTCAGAGTTCTCACAGTTCCAAGGTTAGAGAG-3'
Protein context (NP_009225.1, residues 166-186): RTKQRIQPQK[Thr176Ser]SVYIELGSDS

ClinVar aggregate classification (germline): Uncertain significance (1 of 4 stars; one submission).

Conditions:
Hereditary cancer-predisposing syndrome. Also called: Hereditary Cancer Syndrome; Neoplastic Syndromes, Hereditary; Tumor predisposition; Hereditary neoplastic syndrome. Identifiers: Orphanet 140162, MedGen C0027672, MeSH D009386, MONDO:0015356.

Submission:

Ambry Genetics
Classification: Uncertain significance for Hereditary cancer-predisposing syndrome. Last evaluated: 2022-04-10. Review status: criteria provided, single submitter. Criteria: Ambry Variant Classification Scheme 2023. Collection method: clinical testing. Allele origin: germline.
Comment: The p.T176S variant (also known as c.526A>T), located in coding exon 6 of the BRCA1 gene, results from an A to T substitution at nucleotide position 526. The threonine at codon 176 is replaced by serine, an amino acid with similar properties. This amino acid position is conserved. In addition, the in silico prediction for this alteration is inconclusive. Since supporting evidence is limited at this time, the clinical significance of this alteration remains unclear.